The following is an entry in ClinVar:

ClinVar aggregate classification (germline): Pathogenic. Review status: criteria provided, multiple submitters, no conflicts (2 of 4 stars). 2 submissions from 2 submitters: Pathogenic (2). Last evaluated 2020-03-17.

Conditions:
Heimler syndrome 1 (HMLR1). Also called: PEROXISOME BIOGENESIS DISORDER 1C. Identifiers: Orphanet 3220, MedGen C4551980, OMIM 234580, MONDO:0024544.
Zellweger spectrum disorders (ZS). Also called: Zellweger Spectrum Disorder; Zellweger Spectrum; Zellweger Spectrum Disorder (ZSD); Zellweger syndrome. Identifiers: Orphanet 912, MedGen C0043459, MONDO:0019609.

Submissions (2):

Labcorp Genetics (formerly Invitae), Labcorp
Classification: Pathogenic for Zellweger spectrum disorders. Last evaluated: 2020-03-17. Review status: criteria provided, single submitter. Criteria: Invitae Variant Classification Sherloc (09022015). Collection method: clinical testing. Allele origin: germline.
Comment: Loss-of-function variants in PEX1 are known to be pathogenic (PMID: 9398847, 16086329, 16141001, 21031596). This variant has been observed in individual(s) with Heimler syndrome (PMID: 27302843). ClinVar contains an entry for this variant (Variation ID: 224324). This variant is not present in population databases (ExAC no frequency). This sequence change creates a premature translational stop signal (p.Thr598Glnfs*11) in the PEX1 gene. It is expected to result in an absent or disrupted protein product. For these reasons, this variant has been classified as Pathogenic.

Leeds Amelogenesis Imperfecta Research Group, University of Leeds
Classification: Pathogenic for Heimler syndrome 1. Last evaluated: 2015-10-01. Review status: criteria provided, single submitter. Criteria: Submitter's publication. Collection method: research. Allele origin: germline. Affected: yes.
Comment: Newly identified

Literature cited by the submitters: PubMed 9398847 (cited by Labcorp Genetics (formerly Invitae), Labcorp); PubMed 16086329 (cited by Labcorp Genetics (formerly Invitae), Labcorp); PubMed 16141001 (cited by Labcorp Genetics (formerly Invitae), Labcorp); PubMed 21031596 (cited by Labcorp Genetics (formerly Invitae), Labcorp); PubMed 27302843 (cited by Labcorp Genetics (formerly Invitae), Labcorp).

NM_000466.3(PEX1):c.1792del (p.Thr598fs)

Gene: PEX1 (peroxisomal biogenesis factor 1; minus strand). Cytogenetic location: 7q21.2.
Variant type: Deletion.
Coding change: c.1792del on transcript NM_000466.3 (MANE Select); coding-DNA position 1792, one base deleted (A; older notation c.1792delA).
Protein change: p.Thr598fs; shifts the reading frame from threonine 598.
Molecular consequence: frameshift variant.
Genome position (GRCh38, 1-based): chr7:92,507,005, T deleted on the plus strand (A on the coding strand, the reverse complement: PEX1 is on the minus strand). VCF-style (leftmost placement, unchanged base first): chr7-92507004-GT-G. GRCh37 (hg19) VCF-style: chr7-92136318-GT-G.
Other names: c.1792del, p.Thr598fs (NM_001282677.2); c.1168del, p.Thr390fs (NM_001282678.2); short protein forms T598fs, T390fs.
Identifiers: ClinVar variation 224324 (VCV000224324.8), dbSNP rs886037783, ClinGen allele CA10575901.
Genomic context (GRCh38, chr7:92,507,004, plus strand): 5'-TGAAAAGTTATTAAATGTTACAGAAAAATGAACACACCTTAACCACTTACCTTTCCTCCT[GT>G]GAGTAAAAGAGCTCCATTCCTAAGTCCTGCAACAAGAGACATCAGCTGCCGAGACAAAGG-3'